The following is an entry in ClinVar:

NM_052845.4(MMAB):c.557G>C (p.Arg186Pro)

Gene: MMAB (metabolism of cobalamin associated B; minus strand). Cytogenetic location: 12q24.11.
Variant type: single nucleotide variant.
Coding change: c.557G>C on transcript NM_052845.4 (MANE Select); coding-DNA position 557, G replaced by C.
Protein change: p.Arg186Pro; replaces arginine 186 with proline.
Molecular consequence: missense variant. On other transcripts: non-coding transcript variant (1).
Genome position (GRCh38, 1-based): chr12:109,561,067, C>G on the plus strand (G>C on the coding strand, the complement: MMAB is on the minus strand). VCF-style: chr12-109561067-C-G. GRCh37 (hg19) VCF-style: chr12-109998872-C-G.
Other names: short protein forms R186P.
Identifiers: ClinVar variation 2954625 (VCV002954625.4), dbSNP rs773059864, ClinGen allele CA386636903.

ClinVar aggregate classification (germline): Likely pathogenic. Review status: criteria provided, multiple submitters, no conflicts (2 of 4 stars). 2 submissions from 2 submitters: Likely pathogenic (2). Last evaluated 2024-01-02.

Conditions:
Methylmalonic aciduria, cblB type (MACB). Also called: METHYLMALONIC ACIDURIA, VITAMIN B12-RESPONSIVE, DUE TO DEFECT IN SYNTHESIS OF ADENOSYLCOBALAMIN, cblB TYPE; Vitamin B12-responsive methylmalonic acidemia type cblB; Methylmalonic acidemia cblB type. Identifiers: Orphanet 28, Orphanet 79311, MedGen C1855102, MONDO:0009614, OMIM 251110.

gnomAD v4.1: 1 of 1,611,000 alleles (0.000062%); no homozygotes.

Submissions (2):

Fulgent Genetics
Classification: Likely pathogenic for Methylmalonic aciduria, cblB type. Last evaluated: 2024-01-02. Review status: criteria provided, single submitter. Criteria: ACMG Guidelines, 2015. Collection method: clinical testing. Allele origin: germline.

Labcorp Genetics (formerly Invitae), Labcorp
Classification: Likely pathogenic for Methylmalonic aciduria, cblB type. Last evaluated: 2023-11-30. Review status: criteria provided, single submitter. Criteria: Invitae Variant Classification Sherloc (09022015). Collection method: clinical testing. Allele origin: germline.
Comment: This sequence change replaces arginine, which is basic and polar, with proline, which is neutral and non-polar, at codon 186 of the MMAB protein (p.Arg186Pro). This variant is not present in population databases (gnomAD no frequency). This variant has not been reported in the literature in individuals affected with MMAB-related conditions. Advanced modeling of protein sequence and biophysical properties (such as structural, functional, and spatial information, amino acid conservation, physicochemical variation, residue mobility, and thermodynamic stability) performed at Invitae indicates that this missense variant is expected to disrupt MMAB protein function with a positive predictive value of 80%. This variant disrupts the p.Arg186 amino acid residue in MMAB. Other variant(s) that disrupt this residue have been determined to be pathogenic (PMID: 12471062, 16410054, 16439175, 19625202). This suggests that this residue is clinically significant, and that variants that disrupt this residue are likely to be disease-causing. In summary, the currently available evidence indicates that the variant is pathogenic, but additional data are needed to prove that conclusively. Therefore, this variant has been classified as Likely Pathogenic.

Literature cited by the submitters: PubMed 12471062 (cited by Labcorp Genetics (formerly Invitae), Labcorp); PubMed 16410054 (cited by Labcorp Genetics (formerly Invitae), Labcorp); PubMed 16439175 (cited by Labcorp Genetics (formerly Invitae), Labcorp); PubMed 19625202 (cited by Labcorp Genetics (formerly Invitae), Labcorp).